The following is an entry in ClinVar:

ClinVar aggregate classification (germline): Uncertain significance (1 of 4 stars; one submission).

Conditions:
Cardiovascular phenotype. Identifiers: MedGen CN230736.

Submission:

Ambry Genetics
Classification: Uncertain significance for Cardiovascular phenotype. Last evaluated: 2023-05-22. Review status: criteria provided, single submitter. Criteria: Ambry Variant Classification Scheme 2023. Collection method: clinical testing. Allele origin: germline.
Comment: The p.P2217T variant (also known as c.6649C>A), located in coding exon 2 of the ZNF469 gene, results from a C to A substitution at nucleotide position 6649. The proline at codon 2217 is replaced by threonine, an amino acid with highly similar properties. This amino acid position is conserved. In addition, this alteration is predicted to be tolerated by in silico analysis. Since supporting evidence is limited at this time, the clinical significance of this alteration remains unclear.

NM_001367624.2(ZNF469):c.6733C>A (p.Pro2245Thr)

Gene: ZNF469 (zinc finger protein 469; plus strand). Cytogenetic location: 16q24.2.
Variant type: single nucleotide variant.
Coding change: c.6733C>A on transcript NM_001367624.2 (MANE Select); coding-DNA position 6733, C replaced by A.
Protein change: p.Pro2245Thr; replaces proline 2245 with threonine.
Molecular consequence: missense variant.
Genome position (GRCh38, 1-based): chr16:88,434,203, C>A. VCF-style: chr16-88434203-C-A. GRCh37 (hg19) VCF-style: chr16-88500611-C-A.
Other names: NM_001127464.1:c.6649C>A; short protein forms P2245T.
Identifiers: ClinVar variation 2564262 (VCV002564262.2), dbSNP rs2507594338, ClinGen allele CA397106687.